The following is an entry in ClinVar:

NM_001105206.3(LAMA4):c.3467G>A (p.Arg1156Lys)

Gene: LAMA4 (laminin subunit alpha 4; minus strand). Cytogenetic location: 6q21.
Variant type: single nucleotide variant.
Coding change: c.3467G>A on transcript NM_001105206.3 (MANE Select); coding-DNA position 3467, G replaced by A.
Protein change: p.Arg1156Lys; replaces arginine 1156 with lysine.
Molecular consequence: missense variant.
Genome position (GRCh38, 1-based): chr6:112,134,557, C>T on the plus strand (G>A on the coding strand, the complement: LAMA4 is on the minus strand). VCF-style: chr6-112134557-C-T. GRCh37 (hg19) VCF-style: chr6-112455759-C-T.
Other names: c.3446G>A, p.Arg1149Lys (NM_001105207.3, NM_002290.5); short protein forms R1149K, R1156K.
Identifiers: ClinVar variation 1731511 (VCV001731511.3), dbSNP rs782725292, ClinGen allele CA3965204.

ClinVar aggregate classification (germline): Uncertain significance. Review status: criteria provided, multiple submitters, no conflicts (2 of 4 stars). 2 submissions from 2 submitters: Uncertain significance (2). Last evaluated 2025-03-15.

Conditions:
Dilated cardiomyopathy 1JJ (CMD1JJ). Identifiers: Orphanet 154, MedGen C3808935, MONDO:0014095, OMIM 615235.
Cardiovascular phenotype. Identifiers: MedGen CN230736.

Allele frequency attached by ClinVar (database versions not stated): gnomAD exomes below 0.00001; ExAC 0.00001; TOPMed 0.00001.
gnomAD v4.1: 2 of 1,609,738 alleles (0.00012%); highest among the groups gnomAD compares: African/African-American, 0.0027%; no homozygotes.

Submissions (2):

Labcorp Genetics (formerly Invitae), Labcorp
Classification: Uncertain significance for Dilated cardiomyopathy 1JJ. Last evaluated: 2025-03-15. Review status: criteria provided, single submitter. Criteria: Invitae Variant Classification Sherloc (09022015). Collection method: clinical testing. Allele origin: germline.
Comment: This sequence change replaces arginine, which is basic and polar, with lysine, which is basic and polar, at codon 1149 of the LAMA4 protein (p.Arg1149Lys). This variant is present in population databases (rs782725292, gnomAD 0.01%). This variant has not been reported in the literature in individuals affected with LAMA4-related conditions. ClinVar contains an entry for this variant (Variation ID: 1731511). Invitae Evidence Modeling of protein sequence and biophysical properties (such as structural, functional, and spatial information, amino acid conservation, physicochemical variation, residue mobility, and thermodynamic stability) indicates that this missense variant is not expected to disrupt LAMA4 protein function with a negative predictive value of 80%. In summary, the available evidence is currently insufficient to determine the role of this variant in disease. Therefore, it has been classified as a Variant of Uncertain Significance.

Ambry Genetics
Classification: Uncertain significance for Cardiovascular phenotype. Last evaluated: 2022-03-03. Review status: criteria provided, single submitter. Criteria: Ambry Variant Classification Scheme 2023. Collection method: clinical testing. Allele origin: germline.
Comment: The p.R1149K variant (also known as c.3446G>A), located in coding exon 25 of the LAMA4 gene, results from a G to A substitution at nucleotide position 3446. The arginine at codon 1149 is replaced by lysine, an amino acid with highly similar properties. This amino acid position is conserved. In addition, the in silico prediction for this alteration is inconclusive. Since supporting evidence is limited at this time, the clinical significance of this alteration remains unclear.